The following is an entry in ClinVar:

NM_006306.4(SMC1A):c.2039_2040del (p.Arg680fs)

Gene: SMC1A (structural maintenance of chromosomes 1A; minus strand). Cytogenetic location: Xp11.22.
Variant type: Microsatellite.
Coding change: c.2039_2040del on transcript NM_006306.4 (MANE Select); coding-DNA positions 2039 to 2040, 2 bases deleted (GC; older notation c.2039_2040delGC).
Protein change: p.Arg680fs; shifts the reading frame from arginine 680.
Molecular consequence: frameshift variant.
Genome position (GRCh38, 1-based): chrX:53,405,263-53,405,264, GC deleted on the plus strand (GC on the coding strand, the reverse complement: SMC1A is on the minus strand); deleting any 2 consecutive bases within chrX:53,405,263-53,405,266 gives the same sequence; the c. name uses the placement nearest the transcript's 3' end. VCF-style (leftmost placement, unchanged base first): chrX-53405262-AGC-A. GRCh37 (hg19) VCF-style: chrX-53432194-AGC-A.
Other names: c.1973_1974del, p.Arg658fs (NM_001281463.1); short protein forms R658fs, R680fs.
Identifiers: ClinVar variation 1199214 (VCV001199214.4), dbSNP rs2146599539, ClinGen allele CA2580612339.

ClinVar aggregate classification (germline): Pathogenic (1 of 4 stars; one submission).

Conditions:
SMC1A-related cohesinopathy.

Submission:

Illumina Laboratory Services, Illumina
Classification: Pathogenic for SMC1A-related cohesinopathy. Last evaluated: 2021-03-30. Review status: criteria provided, single submitter. Criteria: ICSLVariantClassificationCriteria RUGD 01 April 2020. Collection method: clinical testing. Allele origin: unknown.
Comment: The SMC1A c.2039_2040delGC (p.Arg680LeufsTer38) is a frameshift variant that is predicted to result in an absent or truncated protein. A literature search was performed for the gene, cDNA, and amino acid change. No publications were found based on this search. This variant is not found in the Genome Aggregation Database despite its location in a region of good sequencing coverage, so the variant is presumed to be rare. Based on the potential impact of frameshift variants in relation to the known mechanism of disease, identification of the variant in a de novo state, and its rarity, the p.Arg680LeufsTer38 variant is classified as pathogenic for SMC1A-related cohesinopathy.